The following is an entry in ClinVar:

ClinVar aggregate classification (germline): Uncertain significance (1 of 4 stars; one submission).

Conditions:
Hereditary breast ovarian cancer syndrome. Also called: Hereditary breast and ovarian cancer syndrome; Hereditary breast and/or ovarian cancer syndrome; Hereditary breast and ovarian cancer; Hereditary breast and ovarian cancer syndrome (HBOC); Breast and ovarian cancer; BRCA1- and BRCA2-Associated Hereditary Breast and Ovarian Cancer. Identifiers: Orphanet 145, MedGen C0677776, MeSH D061325, MONDO:0003582. Disease mechanism: loss of function.

Submission:

Labcorp Genetics (formerly Invitae), Labcorp
Classification: Uncertain significance for Hereditary breast ovarian cancer syndrome. Last evaluated: 2024-11-27. Review status: criteria provided, single submitter. Criteria: Invitae Variant Classification Sherloc (09022015). Collection method: clinical testing. Allele origin: germline.
Comment: This variant, c.506_508del, results in the deletion of 1 amino acid(s) of the BRCA1 protein (p.Gln169del), but otherwise preserves the integrity of the reading frame. This variant is not present in population databases (gnomAD no frequency). This variant has not been reported in the literature in individuals affected with BRCA1-related conditions. Experimental studies and prediction algorithms are not available or were not evaluated, and the functional significance of this variant is currently unknown. In summary, the available evidence is currently insufficient to determine the role of this variant in disease. Therefore, it has been classified as a Variant of Uncertain Significance.

NM_007294.4(BRCA1):c.503AGC[1] (p.Gln169del)

Gene: BRCA1 (BRCA1 DNA repair associated; minus strand). Cytogenetic location: 17q21.31.
Variant type: Microsatellite.
Coding change: c.503AGC[1] on transcript NM_007294.4 (MANE Select); one copy of the 3-base unit AGC starting at c.503; the reference has two copies in a row; one copy, 3 bases deleted.
Protein change: p.Gln169del; deletes glutamine 169.
Molecular consequence: intron variant (on NM_001407967.1).
Genome position (GRCh38, 1-based): chr17:43,099,814-43,099,816, GCT deleted on the plus strand (AGC on the coding strand, the reverse complement: BRCA1 is on the minus strand); deleting any 3 consecutive bases within chr17:43,099,814-43,099,819 gives the same sequence; the position shown is the placement nearest the transcript's 3' end. VCF-style (leftmost placement, unchanged base first): chr17-43099813-CGCT-C. GRCh37 (hg19) VCF-style: chr17-41251830-CGCT-C.
Other names: c.503AGC[1], p.Gln169del (NM_001407641.1, NM_001407642.1, NM_001407648.1 and 96 more transcripts); c.500AGC[1], p.Gln168del (NM_001407644.1, NM_001407645.1, NM_001407649.1 and 65 more transcripts); c.494AGC[1], p.Gln166del (NM_001407646.1, NM_001407647.1, NM_001408408.1); c.425AGC[1], p.Gln143del (NM_001407655.1, NM_001407653.1, NM_001407658.1 and 12 more transcripts); c.-218-4956_-218-4954del (NM_001407967.1, NM_001407966.1); c.422AGC[1], p.Gln142del (NM_001407659.1, NM_001407660.1, NM_001407661.1 and 6 more transcripts); c.362AGC[1], p.Gln122del (NM_001407692.1, NM_001407694.1, NM_001407695.1 and 61 more transcripts); c.359AGC[1], p.Gln121del (NM_001407740.1, NM_001407741.1, NM_001407742.1 and 35 more transcripts); and 5 more; short protein forms Q124del, Q42del, Q143del, Q169del, Q41del, Q121del, Q122del, Q166del.
Identifiers: ClinVar variation 3726242 (VCV003726242.2).
Genomic context (GRCh38, chr17:43,099,813, plus strand): 5'-TTAAAAAACCTGAGACCCTTACCCAATTCAATGTAGACAGACGTCTTTTGAGGTTGTATC[CGCT>C]GCTTTGTCCTCAGAGTTCTCACAGTTCCAAGGTTAGAGAGTTGGACACTGAGACTGGTTT-3'